The following is an entry in ClinVar:

NM_001291303.3(FAT4):c.5416C>T (p.Arg1806Cys)

Gene: FAT4 (FAT atypical cadherin 4; plus strand). Cytogenetic location: 4q28.1.
Variant type: single nucleotide variant.
Coding change: c.5416C>T on transcript NM_001291303.3 (MANE Select); coding-DNA position 5416, C replaced by T.
Protein change: p.Arg1806Cys; replaces arginine 1806 with cysteine.
Molecular consequence: missense variant.
Genome position (GRCh38, 1-based): chr4:125,406,988, C>T. VCF-style: chr4-125406988-C-T. GRCh37 (hg19) VCF-style: chr4-126328143-C-T.
Other names: c.5416C>T, p.Arg1806Cys (NM_001291285.3, NM_024582.6); c.5416C>T (NM_024582.4); short protein forms R1806C.
Identifiers: ClinVar variation 1921661 (VCV001921661.3), dbSNP rs745489320, ClinGen allele CA3072710.

ClinVar aggregate classification (germline): Uncertain significance. Review status: criteria provided, multiple submitters, no conflicts (2 of 4 stars). 2 submissions from 2 submitters: Uncertain significance (2). Last evaluated 2024-12-04.

Conditions:
Inborn genetic diseases. Identifiers: MedGen C0950123, MeSH D030342.

Allele frequency attached by ClinVar (database versions not stated): ExAC 0.00001; gnomAD 0.00001; gnomAD exomes 0.00001; TOPMed 0.00003.
gnomAD v4.1: 9 of 1,613,666 alleles (0.00056%); highest among the groups gnomAD compares: South Asian, 0.0044%; no homozygotes.

Submissions (2):

Ambry Genetics
Classification: Uncertain significance for Inborn genetic diseases. Last evaluated: 2024-12-04. Review status: criteria provided, single submitter. Criteria: Ambry Variant Classification Scheme 2023. Collection method: clinical testing. Allele origin: germline.

Labcorp Genetics (formerly Invitae), Labcorp
Classification: Uncertain significance. Last evaluated: 2022-02-17. Review status: criteria provided, single submitter. Criteria: Invitae Variant Classification Sherloc (09022015). Collection method: clinical testing. Allele origin: germline.
Comment: This sequence change replaces arginine, which is basic and polar, with cysteine, which is neutral and slightly polar, at codon 1806 of the FAT4 protein (p.Arg1806Cys). This variant is present in population databases (rs745489320, gnomAD 0.02%). This variant has not been reported in the literature in individuals affected with FAT4-related conditions. Advanced modeling of protein sequence and biophysical properties (such as structural, functional, and spatial information, amino acid conservation, physicochemical variation, residue mobility, and thermodynamic stability) performed at Invitae indicates that this missense variant is not expected to disrupt FAT4 protein function. Algorithms developed to predict the effect of sequence changes on RNA splicing suggest that this variant is not likely to affect RNA splicing. In summary, the available evidence is currently insufficient to determine the role of this variant in disease. Therefore, it has been classified as a Variant of Uncertain Significance.